The following is an entry in ClinVar:

ClinVar aggregate classification (germline): Pathogenic (1 of 4 stars; one submission).

Conditions:
Sphingolipid activator protein 1 deficiency. Also called: Metachromatic leukodystrophy due to saposin B deficiency; Saposin B Deficiency; METACHROMATIC LEUKODYSTROPHY DUE TO CEREBROSIDE SULFATASE ACTIVATOR DEFICIENCY. Identifiers: Orphanet 512, MedGen C0268262, MONDO:0009590, OMIM 249900.

Allele frequency attached by ClinVar (database versions not stated): gnomAD exomes below 0.00001.
gnomAD v4.1: 2 of 1,614,166 alleles (0.00012%); highest among the groups gnomAD compares: South Asian, 0.0022%; no homozygotes.

Submission:

Labcorp Genetics (formerly Invitae), Labcorp
Classification: Pathogenic for Sphingolipid activator protein 1 deficiency. Last evaluated: 2022-01-03. Review status: criteria provided, single submitter. Criteria: Invitae Variant Classification Sherloc (09022015). Collection method: clinical testing. Allele origin: germline.
Comment: For these reasons, this variant has been classified as Pathogenic. ClinVar contains an entry for this variant (Variation ID: 942712). This variant has not been reported in the literature in individuals affected with PSAP-related conditions. This variant is not present in population databases (gnomAD no frequency). This sequence change creates a premature translational stop signal (p.Gln450*) in the PSAP gene. It is expected to result in an absent or disrupted protein product. Loss-of-function variants in PSAP are known to be pathogenic (PMID: 8554069, 11309366, 17616409, 19267410, 30632081).

Literature cited by the submitters: PubMed 8554069; PubMed 11309366; PubMed 17616409; PubMed 19267410; PubMed 30632081.

NM_002778.4(PSAP):c.1348C>T (p.Gln450Ter)

Gene: PSAP (prosaposin; minus strand). Cytogenetic location: 10q22.1.
Variant type: single nucleotide variant.
Coding change: c.1348C>T on transcript NM_002778.4 (MANE Select); coding-DNA position 1348, C replaced by T.
Protein change: p.Gln450Ter; replaces glutamine 450 with a stop codon.
Molecular consequence: nonsense.
Genome position (GRCh38, 1-based): chr10:71,819,467, G>A on the plus strand (C>T on the coding strand, the complement: PSAP is on the minus strand). VCF-style: chr10-71819467-G-A. GRCh37 (hg19) VCF-style: chr10-73579224-G-A.
Other names: c.1357C>T, p.Gln453Ter (NM_001042465.3); c.1354C>T, p.Gln452Ter (NM_001042466.3); short protein forms Q450*, Q452*, Q453*.
Identifiers: ClinVar variation 942712 (VCV000942712.8), dbSNP rs1842248191, ClinGen allele CA377142372.
Genomic context (GRCh38, chr10:71,819,467, plus strand): 5'-TGGCATACTTCATCAGGTTCTGCCATGCTGGCCTACCGCAGCCCAGCCCGGGGCGTACCT[G>A]CTTCTGGTAAGGGTCTGGCAGGAAGCTGCAGCCTTTCTCAAGAGCAGCCAGGATCTCCTG-3'